The following is an entry in ClinVar:

ClinVar aggregate classification (germline): Likely pathogenic (1 of 4 stars; one submission).

Conditions:
Hereditary nonpolyposis colorectal neoplasms. Identifiers: MedGen C0009405, MeSH D003123.

Submission:

Labcorp Genetics (formerly Invitae), Labcorp
Classification: Likely pathogenic for Hereditary nonpolyposis colorectal neoplasms. Last evaluated: 2020-02-24. Review status: criteria provided, single submitter. Criteria: Invitae Variant Classification Sherloc (09022015). Collection method: clinical testing. Allele origin: germline.
Comment: This variant results in the deletion of part of exon 8 (c.3647-37_3684del) of the MSH6 gene. It is expected to disrupt RNA splicing and likely results in an absent or disrupted protein product. This variant is not present in population databases (ExAC no frequency). This variant has not been reported in the literature in individuals with MSH6-related conditions. Algorithms developed to predict the effect of sequence changes on RNA splicing suggest that this variant may disrupt the consensus splice site, but this prediction has not been confirmed by published transcriptional studies. Loss-of-function variants in MSH6 are known to be pathogenic (PMID: 18269114, 24362816). In summary, the currently available evidence indicates that the variant is pathogenic, but additional data are needed to prove that conclusively. Therefore, this variant has been classified as Likely Pathogenic.

Literature cited by the submitters: PubMed 18269114; PubMed 24362816.

NM_000179.3(MSH6):c.3647-37_3684del

Gene: MSH6 (mutS homolog 6; plus strand). Cytogenetic location: 2p16.3.
Variant type: Deletion.
Coding change: c.3647-37_3684del on transcript NM_000179.3 (MANE Select); 37 bases into the intron before coding-DNA position 3647 through coding-DNA position 3684, 75 bases deleted.
Molecular consequence: splice acceptor variant.
Genome position (GRCh38, 1-based): chr2:47,806,167-47,806,241, 75 bases deleted. GRCh37 (hg19): chr2:48,033,306-48,033,380.
Other names: c.2741-37_2778del (NM_001281493.2, NM_001281494.2); c.3257-37_3294del (NM_001281492.2).
Identifiers: ClinVar variation 1067509 (VCV001067509.8), dbSNP rs2104535143, ClinGen allele CA2499216143.